The following is an entry in ClinVar:

ClinVar aggregate classification (germline): Uncertain significance (1 of 4 stars; one submission).

Conditions:
Cardiovascular phenotype. Identifiers: MedGen CN230736.

Allele frequency attached by ClinVar (database versions not stated): gnomAD exomes 0.00001.
gnomAD v4.1: 9 of 1,614,114 alleles (0.00056%); highest among the groups gnomAD compares: Non-Finnish European, 0.00076%; no homozygotes.

Submission:

Ambry Genetics
Classification: Uncertain significance for Cardiovascular phenotype. Last evaluated: 2022-08-30. Review status: criteria provided, single submitter. Criteria: Ambry Variant Classification Scheme 2023. Collection method: clinical testing. Allele origin: germline.
Comment: The p.F2564L variant (also known as c.7692T>G), located in coding exon 26 of the APOB gene, results from a T to G substitution at nucleotide position 7692. The phenylalanine at codon 2564 is replaced by leucine, an amino acid with highly similar properties. This amino acid position is conserved. In addition, this alteration is predicted to be tolerated by in silico analysis. Since supporting evidence is limited at this time, the clinical significance of this alteration remains unclear.

NM_000384.3(APOB):c.7692T>G (p.Phe2564Leu)

Gene: APOB (apolipoprotein B; minus strand). Cytogenetic location: 2p24.1.
Variant type: single nucleotide variant.
Coding change: c.7692T>G on transcript NM_000384.3 (MANE Select); coding-DNA position 7692, T replaced by G.
Protein change: p.Phe2564Leu; replaces phenylalanine 2564 with leucine.
Molecular consequence: missense variant.
Genome position (GRCh38, 1-based): chr2:21,009,176, A>C on the plus strand (T>G on the coding strand, the complement: APOB is on the minus strand). VCF-style: chr2-21009176-A-C. GRCh37 (hg19) VCF-style: chr2-21232048-A-C.
Other names: short protein forms F2564L.
Identifiers: ClinVar variation 1760163 (VCV001760163.2), dbSNP rs2465368298, ClinGen allele CA345996448.